The following is an entry in ClinVar:

ClinVar aggregate classification (germline): Uncertain significance. Review status: criteria provided, multiple submitters, no conflicts (2 of 4 stars). 3 submissions from 3 submitters: Uncertain significance (3). Last evaluated 2025-08-23.

Conditions:
Familial adenomatous polyposis 1 (FAP1). Also called: FAMILIAL ADENOMATOUS POLYPOSIS 1, ATTENUATED; POLYPOSIS, ADENOMATOUS INTESTINAL. Identifiers: MedGen C2713442, MONDO:0021056, OMIM 175100. Disease mechanism: loss of function.
Hereditary cancer-predisposing syndrome. Also called: Neoplastic Syndromes, Hereditary; Tumor predisposition; Hereditary Cancer Syndrome; Hereditary neoplastic syndrome. Identifiers: Orphanet 140162, MedGen C0027672, MeSH D009386, MONDO:0015356.

Allele frequency attached by ClinVar (database versions not stated): gnomAD exomes below 0.00001; TOPMed below 0.00001; gnomAD 0.00001.
gnomAD v4.1: 4 of 1,613,812 alleles (0.00025%); highest among the groups gnomAD compares: Non-Finnish European, 0.00034%; no homozygotes.

Submissions (3):

Ambry Genetics
Classification: Uncertain significance for Hereditary cancer-predisposing syndrome. Last evaluated: 2025-08-23. Review status: criteria provided, single submitter. Criteria: Ambry Variant Classification Scheme 2023. Collection method: clinical testing. Allele origin: germline.
Comment: The p.G2293R variant (also known as c.6877G>C), located in coding exon 15 of the APC gene, results from a G to C substitution at nucleotide position 6877. The glycine at codon 2293 is replaced by arginine, an amino acid with dissimilar properties. This amino acid position is poorly conserved in available vertebrate species. In addition, in silico predictors for this gene do not accurately predict pathogenicity. Since supporting evidence is limited at this time, the clinical significance of this alteration remains unclear.

Labcorp Genetics (formerly Invitae), Labcorp
Classification: Uncertain significance for Familial adenomatous polyposis 1. Last evaluated: 2025-02-19. Review status: criteria provided, single submitter. Criteria: Invitae Variant Classification Sherloc (09022015). Collection method: clinical testing. Allele origin: germline.
Comment: This sequence change replaces glycine, which is neutral and non-polar, with arginine, which is basic and polar, at codon 2293 of the APC protein (p.Gly2293Arg). This variant is present in population databases (no rsID available, gnomAD 0.007%). This variant has not been reported in the literature in individuals affected with APC-related conditions. ClinVar contains an entry for this variant (Variation ID: 233987). Invitae Evidence Modeling of protein sequence and biophysical properties (such as structural, functional, and spatial information, amino acid conservation, physicochemical variation, residue mobility, and thermodynamic stability) indicates that this missense variant is not expected to disrupt APC protein function with a negative predictive value of 95%. In summary, the available evidence is currently insufficient to determine the role of this variant in disease. Therefore, it has been classified as a Variant of Uncertain Significance.

Color Diagnostics, LLC DBA Color Health
Classification: Uncertain significance for Hereditary cancer-predisposing syndrome. Last evaluated: 2019-02-09. Review status: criteria provided, single submitter. Criteria: ACMG Guidelines, 2015. Collection method: clinical testing. Allele origin: germline.

NM_000038.6(APC):c.6877G>C (p.Gly2293Arg)

Gene: APC (APC regulator of Wnt signaling pathway; plus strand). Cytogenetic location: 5q22.2.
Variant type: single nucleotide variant.
Coding change: c.6877G>C on transcript NM_000038.6 (MANE Select); coding-DNA position 6877, G replaced by C.
Protein change: p.Gly2293Arg; replaces glycine 2293 with arginine.
Molecular consequence: missense variant.
Genome position (GRCh38, 1-based): chr5:112,842,471, G>C. VCF-style: chr5-112842471-G-C. GRCh37 (hg19) VCF-style: chr5-112178168-G-C.
Other names: c.6877G>C, p.Gly2293Arg (NM_001127510.3, NM_001354895.2); c.6823G>C, p.Gly2275Arg (NM_001127511.3); c.6931G>C, p.Gly2311Arg (NM_001354896.2); c.6907G>C, p.Gly2303Arg (NM_001354897.2); c.6802G>C, p.Gly2268Arg (NM_001354898.2); c.6793G>C, p.Gly2265Arg (NM_001354899.2); c.6754G>C, p.Gly2252Arg (NM_001354900.2); c.6700G>C, p.Gly2234Arg (NM_001354901.2); and 5 more; short protein forms G2275R, G2293R, G2252R, G2133R, G2167R, G2234R, G2010R, G2265R.
Identifiers: ClinVar variation 233987 (VCV000233987.20), dbSNP rs876660777, ClinGen allele CA10578438.